The following is an entry in ClinVar:

ClinVar aggregate classification (germline): Pathogenic (1 of 4 stars; one submission).

Conditions:
DNA ligase IV deficiency. Identifiers: Orphanet 99812, MedGen C1847827, MONDO:0011686, OMIM 606593.

Submission:

Labcorp Genetics (formerly Invitae), Labcorp
Classification: Pathogenic for DNA ligase IV deficiency. Last evaluated: 2023-03-28. Review status: criteria provided, single submitter. Criteria: Invitae Variant Classification Sherloc (09022015). Collection method: clinical testing. Allele origin: germline.
Comment: For these reasons, this variant has been classified as Pathogenic. This variant disrupts a region of the LIG4 protein in which other variant(s) (p.Arg814*) have been determined to be pathogenic (PMID: 11779494, 15333585, 16088910, 24123394, 24892279, 25239263, 27063650, 27612988). This suggests that this is a clinically significant region of the protein, and that variants that disrupt it are likely to be disease-causing. This variant has not been reported in the literature in individuals affected with LIG4-related conditions. This variant is not present in population databases (gnomAD no frequency). This sequence change creates a premature translational stop signal (p.Glu76*) in the LIG4 gene. While this is not anticipated to result in nonsense mediated decay, it is expected to disrupt the last 836 amino acid(s) of the LIG4 protein.

Literature cited by the submitters: PubMed 11779494; PubMed 15333585; PubMed 16088910; PubMed 24123394; PubMed 24892279; PubMed 25239263; PubMed 27063650; PubMed 27612988.

NM_206937.2(LIG4):c.226G>T (p.Glu76Ter)

Gene: LIG4 (DNA ligase 4; minus strand). Cytogenetic location: 13q33.3.
Variant type: single nucleotide variant.
Coding change: c.226G>T on transcript NM_206937.2 (MANE Select); coding-DNA position 226, G replaced by T.
Protein change: p.Glu76Ter; replaces glutamic acid 76 with a stop codon.
Molecular consequence: nonsense.
Genome position (GRCh38, 1-based): chr13:108,211,043, C>A on the plus strand (G>T on the coding strand, the complement: LIG4 is on the minus strand). VCF-style: chr13-108211043-C-A. GRCh37 (hg19) VCF-style: chr13-108863391-C-A.
Other names: c.226G>T, p.Glu76Ter (NM_001098268.2, NM_001352598.2, NM_001352599.2 and 6 more transcripts); c.25G>T, p.Glu9Ter (NM_001330595.2); c.262G>T, p.Glu88Ter (NM_001352604.2); short protein forms E76*, E88*, E9*.
Identifiers: ClinVar variation 2848437 (VCV002848437.3), dbSNP rs2501627619, ClinGen allele CA388623957.